The following is an entry in ClinVar:

NM_002755.4(MAP2K1):c.41C>T (p.Ala14Val)

Gene: MAP2K1 (mitogen-activated protein kinase kinase 1; plus strand). Cytogenetic location: 15q22.31.
Variant type: single nucleotide variant.
Coding change: c.41C>T on transcript NM_002755.4 (MANE Select); coding-DNA position 41, C replaced by T.
Protein change: p.Ala14Val; replaces alanine 14 with valine.
Molecular consequence: missense variant.
Genome position (GRCh38, 1-based): chr15:66,387,388, C>T. VCF-style: chr15-66387388-C-T. GRCh37 (hg19) VCF-style: chr15-66679726-C-T.
Other names: short protein forms A14V.
Identifiers: ClinVar variation 2913558 (VCV002913558.3), dbSNP rs2093344028, ClinGen allele CA392931595.

ClinVar aggregate classification (germline): Uncertain significance (1 of 4 stars; one submission).

Conditions:
RASopathy. Also called: Noonan spectrum disorder; rasopathies. Identifiers: Orphanet 536391, MedGen C5555857, MONDO:0021060.

Allele frequency attached by ClinVar (database versions not stated): TOPMed below 0.00001; gnomAD 0.00001; gnomAD exomes below 0.00001.
gnomAD v4.1: 7 of 1,565,992 alleles (0.00045%); highest among the groups gnomAD compares: Non-Finnish European, 0.00061%; no homozygotes.

Submission:

Labcorp Genetics (formerly Invitae), Labcorp
Classification: Uncertain significance for RASopathy. Last evaluated: 2023-04-22. Review status: criteria provided, single submitter. Criteria: Invitae Variant Classification Sherloc (09022015). Collection method: clinical testing. Allele origin: germline.
Comment: In summary, the available evidence is currently insufficient to determine the role of this variant in disease. Therefore, it has been classified as a Variant of Uncertain Significance. Advanced modeling of protein sequence and biophysical properties (such as structural, functional, and spatial information, amino acid conservation, physicochemical variation, residue mobility, and thermodynamic stability) performed at Invitae indicates that this missense variant is not expected to disrupt MAP2K1 protein function. This variant has not been reported in the literature in individuals affected with MAP2K1-related conditions. This variant is not present in population databases (gnomAD no frequency). This sequence change replaces alanine, which is neutral and non-polar, with valine, which is neutral and non-polar, at codon 14 of the MAP2K1 protein (p.Ala14Val).